The following is an entry in ClinVar:

NM_001377540.1(SLMAP):c.2369A>G (p.Gln790Arg)

Gene: SLMAP (sarcolemma associated protein; plus strand). Cytogenetic location: 3p14.3.
Variant type: single nucleotide variant.
Coding change: c.2369A>G on transcript NM_001377540.1 (MANE Select); coding-DNA position 2369, A replaced by G.
Protein change: p.Gln790Arg; replaces glutamine 790 with arginine.
Molecular consequence: missense variant. On other transcripts: non-coding transcript variant (1).
Genome position (GRCh38, 1-based): chr3:57,922,947, A>G. VCF-style: chr3-57922947-A-G. GRCh37 (hg19) VCF-style: chr3-57908674-A-G.
Other names: c.2318A>G, p.Gln773Arg (NM_001304420.3, NM_001377541.1, NM_001377542.1); c.2204A>G, p.Gln735Arg (NM_001304421.2, NM_001377557.1, NM_001377559.1); c.920A>G, p.Gln307Arg (NM_001304422.3, NM_001311178.2); c.722A>G, p.Gln241Arg (NM_001304423.3); c.2390A>G, p.Gln797Arg (NM_001377538.1); c.2369A>G, p.Gln790Arg (NM_001377539.1); c.2306A>G, p.Gln769Arg (NM_001377545.1); c.2267A>G, p.Gln756Arg (NM_001377549.1, NM_007159.5); and 8 more; short protein forms Q241R, Q307R, Q715R, Q266R, Q694R, Q711R, Q749R, Q756R.
Identifiers: ClinVar variation 3445695 (VCV003445695.1).

ClinVar aggregate classification (germline): Uncertain significance (1 of 4 stars; one submission).

Submission:

Ambry Genetics
Classification: Uncertain significance. Last evaluated: 2024-10-14. Review status: criteria provided, single submitter. Criteria: Ambry Variant Classification Scheme 2023. Collection method: clinical testing. Allele origin: germline.
Comment: The p.Q756R variant (also known as c.2267A>G), located in coding exon 20 of the SLMAP gene, results from an A to G substitution at nucleotide position 2267. The glutamine at codon 756 is replaced by arginine, an amino acid with highly similar properties. This amino acid position is conserved. In addition, the in silico prediction for this alteration is inconclusive. Based on the available evidence, the clinical significance of this variant remains unclear.